The following is an entry in ClinVar:

NM_000350.3(ABCA4):c.5621T>C (p.Leu1874Pro)

Gene: ABCA4 (ATP binding cassette subfamily A member 4; minus strand). Cytogenetic location: 1p22.1.
Variant type: single nucleotide variant.
Coding change: c.5621T>C on transcript NM_000350.3 (MANE Select); coding-DNA position 5621, T replaced by C.
Protein change: p.Leu1874Pro; replaces leucine 1874 with proline.
Molecular consequence: missense variant.
Genome position (GRCh38, 1-based): chr1:94,010,893, A>G on the plus strand (T>C on the coding strand, the complement: ABCA4 is on the minus strand). VCF-style: chr1-94010893-A-G. GRCh37 (hg19) VCF-style: chr1-94476449-A-G.
Other names: c.5399T>C, p.Leu1800Pro (NM_001425324.1); short protein forms L1874P, L1800P.
Identifiers: ClinVar variation 2151884 (VCV002151884.4), dbSNP rs1659526187, ClinGen allele CA341280880.

ClinVar aggregate classification (germline): Likely pathogenic (1 of 4 stars; one submission).

Submission:

Labcorp Genetics (formerly Invitae), Labcorp
Classification: Likely pathogenic. Last evaluated: 2022-04-30. Review status: criteria provided, single submitter. Criteria: Invitae Variant Classification Sherloc (09022015). Collection method: clinical testing. Allele origin: germline.
Comment: In summary, the currently available evidence indicates that the variant is pathogenic, but additional data are needed to prove that conclusively. Therefore, this variant has been classified as Likely Pathogenic. Advanced modeling of protein sequence and biophysical properties (such as structural, functional, and spatial information, amino acid conservation, physicochemical variation, residue mobility, and thermodynamic stability) performed at Invitae indicates that this missense variant is expected to disrupt ABCA4 protein function. This missense change has been observed in individual(s) with clinical features of Stargardt disease (PMID: 30060493; Invitae). This variant is not present in population databases (gnomAD no frequency). This sequence change replaces leucine, which is neutral and non-polar, with proline, which is neutral and non-polar, at codon 1874 of the ABCA4 protein (p.Leu1874Pro).

Literature cited by the submitters: PubMed 30060493.